The following is an entry in ClinVar:

NM_000548.5(TSC2):c.2572A>G (p.Arg858Gly)

Gene: TSC2 (TSC complex subunit 2; plus strand). Cytogenetic location: 16p13.3.
Variant type: single nucleotide variant.
Coding change: c.2572A>G on transcript NM_000548.5 (MANE Select); coding-DNA position 2572, A replaced by G.
Protein change: p.Arg858Gly; replaces arginine 858 with glycine.
Molecular consequence: missense variant.
Genome position (GRCh38, 1-based): chr16:2,075,825, A>G. VCF-style: chr16-2075825-A-G. GRCh37 (hg19) VCF-style: chr16-2125826-A-G.
Other names: c.2572A>G, p.Arg858Gly (NM_001077183.3, NM_001114382.3, NM_001363528.2 and 3 more transcripts); c.2461A>G, p.Arg821Gly (NM_001318827.2); c.2425A>G, p.Arg809Gly (NM_001318829.2); c.1972A>G, p.Arg658Gly (NM_001318831.2); c.2605A>G, p.Arg869Gly (NM_001318832.2); short protein forms R658G, R869G, R809G, R821G, R858G.
Identifiers: ClinVar variation 845919 (VCV000845919.10), dbSNP rs2089261730, ClinGen allele CA394278352.

ClinVar aggregate classification (germline): Conflicting classifications of pathogenicity. Review status: criteria provided, conflicting classifications (1 of 4 stars). 3 submissions from 3 submitters: Uncertain significance (2); Benign (1). Last evaluated 2025-07-29.

Conditions:
Tuberous sclerosis syndrome (TSC). Also called: Tuberous Sclerosis Complex; Tuberous sclerosis. Identifiers: Orphanet 805, MedGen C0041341, MONDO:0001734.
Tuberous sclerosis 2 (TSC2). Identifiers: Orphanet 805, MedGen C1860707, MONDO:0013199, OMIM 613254.
Hereditary cancer-predisposing syndrome. Also called: Neoplastic Syndromes, Hereditary; Hereditary neoplastic syndrome; Tumor predisposition; Hereditary Cancer Syndrome. Identifiers: Orphanet 140162, MedGen C0027672, MeSH D009386, MONDO:0015356.

Allele frequency attached by ClinVar (database versions not stated): gnomAD exomes 0.00001.
gnomAD v4.1: 13 of 1,612,996 alleles (0.00081%); highest among the groups gnomAD compares: Non-Finnish European, 0.001%; no homozygotes.

Submissions (3):

Labcorp Genetics (formerly Invitae), Labcorp
Classification: Benign for Tuberous sclerosis 2. Last evaluated: 2025-07-29. Review status: criteria provided, single submitter. Criteria: Invitae Variant Classification Sherloc (09022015). Collection method: clinical testing. Allele origin: germline.

Color Diagnostics, LLC DBA Color Health
Classification: Uncertain significance for Tuberous sclerosis syndrome. Last evaluated: 2025-07-07. Review status: criteria provided, single submitter. Criteria: ACMG Guidelines, 2015. Collection method: clinical testing. Allele origin: germline.
Comment: This missense variant replaces arginine with glycine at codon 858 of the TSC2 protein. Computational prediction is inconclusive regarding the impact of this variant on protein structure and function. To our knowledge, functional studies have not been reported for this variant. This variant has not been reported in individuals affected with TSC2-related disorders in the literature. This variant has not been identified in the general population by the Genome Aggregation Database (gnomAD). The available evidence is insufficient to determine the role of this variant in disease conclusively. Therefore, this variant is classified as a Variant of Uncertain Significance.

Ambry Genetics
Classification: Uncertain significance for Hereditary cancer-predisposing syndrome. Last evaluated: 2025-01-02. Review status: criteria provided, single submitter. Criteria: Ambry Variant Classification Scheme 2023. Collection method: clinical testing. Allele origin: germline.
Comment: The p.R858G variant (also known as c.2572A>G), located in coding exon 22 of the TSC2 gene, results from an A to G substitution at nucleotide position 2572. The arginine at codon 858 is replaced by glycine, an amino acid with dissimilar properties. This amino acid position is not well conserved in available vertebrate species. In addition, this alteration is predicted to be deleterious by in silico analysis. Based on the available evidence, the clinical significance of this variant remains unclear.